The following is an entry in ClinVar:

ClinVar aggregate classification (germline): Pathogenic. Review status: criteria provided, multiple submitters, no conflicts (2 of 4 stars). 4 submissions from 4 submitters: Pathogenic (3). 1 of the submissions does not count toward it. Last evaluated 2026-05-18.

Conditions:
Isolated microphthalmia 2. Identifiers: Orphanet 2542, MedGen C1864720, MONDO:0012409, OMIM 610093.
Microphthalmia, isolated, with coloboma 3 (MCOPCB3). Also called: MICROPHTHALMIA/COLOBOMA 3; MICROPHTHALMIA, COLOBOMATOUS, 3. Identifiers: Orphanet 98938, MedGen C1864721, MONDO:0012408, OMIM 610092.
VSX2-related disorder. Also called: VSX2-related condition.
Microphthalmia. Also called: Microphthalmos. Identifiers: MedGen C0026010, MONDO:0021129, HP:0000568.

Allele frequency attached by ClinVar (database versions not stated): gnomAD exomes below 0.00001; gnomAD 0.00001.
gnomAD v4.1: 2 of 1,613,040 alleles (0.00012%); highest among the groups gnomAD compares: Non-Finnish European, 0.00017%; no homozygotes.

Submissions (4):

PreventionGenetics, part of Exact Sciences
Classification: Pathogenic for VSX2-related condition. Last evaluated: 2026-05-18. Review status: criteria provided, single submitter. Criteria: ACMG Guidelines, 2015. Collection method: clinical testing. Allele origin: germline.
Comment: The VSX2 c.371-1G>A variant is predicted to disrupt the AG splice acceptor site and interfere with normal splicing. This variant was reported in the homozygous state in individuals with microphthalmia with or without iris coloboma (Family 3 in Bar-Yosef et al. 2004. PubMed ID: 15257456; Patient 11 in Ammar et al. 2017. PubMed ID: 28121235). This variant is reported in 0.0065% of alleles in individuals of European (Non-Finnish) descent in gnomAD. Variants that disrupt the consensus splice acceptor site in VSX2 are expected to be pathogenic. This variant is interpreted as pathogenic.

Natera, Inc.
Classification: Pathogenic for Microphthalmia. Last evaluated: 2024-05-01. Review status: criteria provided, single submitter. Criteria: Natera Variant Classification Schema (03/2026). Collection method: clinical testing. Allele origin: germline.
Comment: The c.371-1G>A variant in VSX2 is a canonical splice acceptor site variant predicted to affect pre-mRNA splicing, which may result in an abnormal transcript and altered protein product. This variant is expected to result in nonsense mediated decay, truncation, or a dysfunctional protein product. This variant is rare in the general population with a frequency below the threshold expected for the associated phenotype(s). This variant has been observed in one or more individuals affected with the associated recessive disease, as either homozygous or compound heterozygous with a second variant (PMID: 28121235). Given the available evidence, this variant is classified as Pathogenic.

Labcorp Genetics (formerly Invitae), Labcorp
Classification: Pathogenic for Isolated microphthalmia 2. Last evaluated: 2023-01-06. Review status: criteria provided, single submitter. Criteria: Invitae Variant Classification Sherloc (09022015). Collection method: clinical testing. Allele origin: germline.
Comment: For these reasons, this variant has been classified as Pathogenic. Algorithms developed to predict the effect of sequence changes on RNA splicing suggest that this variant may disrupt the consensus splice site. ClinVar contains an entry for this variant (Variation ID: 1387606). Disruption of this splice site has been observed in individuals with VSX2-related conditions (PMID: 15257456, 28121235). This variant is present in population databases (no rsID available, gnomAD 0.007%). This sequence change affects an acceptor splice site in intron 1 of the VSX2 gene. It is expected to disrupt RNA splicing. Variants that disrupt the donor or acceptor splice site typically lead to a loss of protein function (PMID: 16199547), and loss-of-function variants in VSX2 are known to be pathogenic (PMID: 20414678).

OMIM
Classification: Pathogenic for MICROPHTHALMIA/COLOBOMA 3. Last evaluated: 2004-09-01. Review status: no assertion criteria provided. Collection method: literature only. Allele origin: germline. Not counted in ClinVar's aggregate classification.

Literature cited by the submitters: PubMed 28121235 (cited by Natera, Inc. and Labcorp Genetics (formerly Invitae), Labcorp); PubMed 15257456 (cited by Labcorp Genetics (formerly Invitae), Labcorp and OMIM); PubMed 16199547 (cited by Labcorp Genetics (formerly Invitae), Labcorp); PubMed 20414678 (cited by Labcorp Genetics (formerly Invitae), Labcorp).

NM_182894.3(VSX2):c.371-1G>A

Gene: VSX2 (visual system homeobox 2; plus strand). Cytogenetic location: 14q24.3.
Variant type: single nucleotide variant.
Coding change: c.371-1G>A on transcript NM_182894.3 (MANE Select); the canonical splice acceptor site of the intron before coding-DNA position 371, G replaced by A.
Molecular consequence: splice acceptor variant.
Genome position (GRCh38, 1-based): chr14:74,241,181, G>A. VCF-style: chr14-74241181-G-A. GRCh37 (hg19) VCF-style: chr14-74707884-G-A.
Other names: IVS1, G-A, -1; c.371-1G>A (NM_182894.2).
Identifiers: ClinVar variation 1387606 (VCV001387606.12), dbSNP rs1395124261, ClinGen allele CA390361210.
Genomic context (GRCh38, chr14:74,241,181, plus strand): 5'-GTTTCGGGCACAGCGGAGCGCGTCCCCCACTCTGCCGCATGTCCCTACGCCCGCTTTTCA[G>A]ATTCTGAAGATGTTTCCTCCAGCGATCGAAAAATGTCCAAATCTGCTTTAAACCAGACCA-3'